The following is an entry in ClinVar:

NM_004187.5(KDM5C):c.103A>T (p.Arg35Trp)

Genes: KDM5C (lysine demethylase 5C; minus strand), LOC130068308 (ATAC-STARR-seq lymphoblastoid active region 29656; plus strand). Cytogenetic location: Xp11.22.
Variant type: single nucleotide variant.
Coding change: c.103A>T on transcript NM_004187.5 (MANE Select); coding-DNA position 103, A replaced by T.
Protein change: p.Arg35Trp; replaces arginine 35 with tryptophan.
Molecular consequence: missense variant. On other transcripts: non-coding transcript variant (3).
Genome position (GRCh38, 1-based): chrX:53,224,787, T>A on the plus strand (A>T on the coding strand, the complement: KDM5C is on the minus strand). VCF-style: chrX-53224787-T-A. GRCh37 (hg19) VCF-style: chrX-53253969-T-A.
Other names: c.103A>T, p.Arg35Trp (NM_001146702.2, NM_001282622.3, NM_001353978.3 and 4 more transcripts); short protein forms R35W.
Identifiers: ClinVar variation 3670741 (VCV003670741.2).

ClinVar aggregate classification (germline): Uncertain significance (1 of 4 stars; one submission).

Conditions:
Spastic paraplegia. Identifiers: MedGen C0037772, HP:0001258.

Submission:

Labcorp Genetics (formerly Invitae), Labcorp
Classification: Uncertain significance for Spastic paraplegia. Last evaluated: 2024-05-18. Review status: criteria provided, single submitter. Criteria: Invitae Variant Classification Sherloc (09022015). Collection method: clinical testing. Allele origin: germline.
Comment: This sequence change replaces arginine, which is basic and polar, with tryptophan, which is neutral and slightly polar, at codon 35 of the KDM5C protein (p.Arg35Trp). This variant is not present in population databases (gnomAD no frequency). This variant has not been reported in the literature in individuals affected with KDM5C-related conditions. Advanced modeling of protein sequence and biophysical properties (such as structural, functional, and spatial information, amino acid conservation, physicochemical variation, residue mobility, and thermodynamic stability) performed at Invitae indicates that this missense variant is expected to disrupt KDM5C protein function with a positive predictive value of 80%. In summary, the available evidence is currently insufficient to determine the role of this variant in disease. Therefore, it has been classified as a Variant of Uncertain Significance.